The following is an entry in ClinVar:

ClinVar aggregate classification (germline): Uncertain significance (1 of 4 stars; one submission).

Allele frequency attached by ClinVar (database versions not stated): TOPMed below 0.00001; gnomAD 0.00001; gnomAD exomes 0.00001; ExAC 0.00003.

Submission:

GeneDx
Classification: Uncertain significance. Last evaluated: 2023-10-02. Review status: criteria provided, single submitter. Criteria: GeneDx Variant Classification Process June 2021. Collection method: clinical testing. Allele origin: germline. Affected: yes.
Comment: Not observed at significant frequency in large population cohorts (gnomAD); In silico analysis supports that this missense variant has a deleterious effect on protein structure/function; Has not been previously published as pathogenic or benign to our knowledge

NM_001080476.3(GRXCR1):c.448C>T (p.Arg150Trp)

Gene: GRXCR1 (glutaredoxin and cysteine rich domain containing 1; plus strand). Cytogenetic location: 4p13.
Variant type: single nucleotide variant.
Coding change: c.448C>T on transcript NM_001080476.3 (MANE Select); coding-DNA position 448, C replaced by T.
Protein change: p.Arg150Trp; replaces arginine 150 with tryptophan.
Molecular consequence: missense variant.
Genome position (GRCh38, 1-based): chr4:42,962,955, C>T. VCF-style: chr4-42962955-C-T. GRCh37 (hg19) VCF-style: chr4-42964972-C-T.
Other names: short protein forms R150W.
Identifiers: ClinVar variation 2582015 (VCV002582015.1), dbSNP rs780011998, ClinGen allele CA2904406.